The following is an entry in ClinVar:

ClinVar aggregate classification (germline): Uncertain significance. Review status: criteria provided, single submitter (1 of 4 stars). 2 submissions from 2 submitters: Uncertain significance (1). 1 of the submissions does not count toward it. Last evaluated 2025-02-05.

Conditions:
Developmental delay, hypotonia, and impaired language (DEDHIL). Identifiers: MedGen C5774202, MONDO:0859280, OMIM 620012.
FBXW7-related disorder. Also called: FBXW7-related disorders; FBXW7-related condition.

gnomAD v4.1: 1 of 1,614,022 alleles (0.000062%); highest among the groups gnomAD compares: Admixed American, 0.0017%; no homozygotes.

Submissions (2):

St. Jude Molecular Pathology, St. Jude Children's Research Hospital
Classification: Uncertain significance for Developmental delay, hypotonia, and impaired language. Last evaluated: 2025-02-05. Review status: criteria provided, single submitter. Criteria: St. Jude Assertion Criteria 2020. Collection method: clinical testing. Allele origin: germline.
Comment: The FBXW7 c.163A>G p.(Arg55Gly) missense change is absent in gnomAD v2.1.1. The in silico tool REVEL predicts a benign effect on protein function, but to our knowledge this prediction has not been confirmed by functional studies. To our knowledge, this variant has not been reported in the literature in ind ividuals with FBXW7-associated conditions. In summary, the evidence currently available is insufficient to determine the clinical significance of this variant. It has therefore been classified as of uncertain significance.

PreventionGenetics, part of Exact Sciences
Classification: Uncertain significance for FBXW7-related condition. Last evaluated: 2024-06-10. Review status: no assertion criteria provided. Collection method: clinical testing. Allele origin: germline. Not counted in ClinVar's aggregate classification.
Comment: The FBXW7 c.163A>G variant is predicted to result in the amino acid substitution p.Arg55Gly. To our knowledge, this variant has not been reported in the literature or in a large population database, indicating this variant is rare. At this time, the clinical significance of this variant is uncertain due to the absence of conclusive functional and genetic evidence.

NM_001349798.2(FBXW7):c.163A>G (p.Arg55Gly)

Gene: FBXW7 (F-box and WD repeat domain containing 7; minus strand). Cytogenetic location: 4q31.3.
Variant type: single nucleotide variant.
Coding change: c.163A>G on transcript NM_001349798.2 (MANE Select); coding-DNA position 163, A replaced by G.
Protein change: p.Arg55Gly; replaces arginine 55 with glycine.
Molecular consequence: missense variant.
Genome position (GRCh38, 1-based): chr4:152,411,641, T>C on the plus strand (A>G on the coding strand, the complement: FBXW7 is on the minus strand). VCF-style: chr4-152411641-T-C. GRCh37 (hg19) VCF-style: chr4-153332793-T-C.
Other names: c.163A>G, p.Arg55Gly (NM_001257069.1, NM_033632.3); short protein forms R55G.
Identifiers: ClinVar variation 3346115 (VCV003346115.2).